The following is an entry in ClinVar:

ClinVar aggregate classification (germline): Conflicting classifications of pathogenicity. Review status: criteria provided, conflicting classifications (1 of 4 stars). 3 submissions from 3 submitters: Uncertain significance (2); Likely benign (1). Last evaluated 2024-11-18.

Conditions:
Dilated cardiomyopathy 1G (CMD1G). Identifiers: Orphanet 154, MedGen C1858763, MONDO:0011400, OMIM 604145.
Autosomal recessive limb-girdle muscular dystrophy type 2J (LGMDR10). Also called: MUSCULAR DYSTROPHY, LIMB-GIRDLE, AUTOSOMAL RECESSIVE 10; Limb-girdle muscular dystrophy, type 2J. Identifiers: Orphanet 140922, MedGen C1837342, MONDO:0012127, OMIM 608807.

Allele frequency attached by ClinVar (database versions not stated): gnomAD exomes 0.00001.
gnomAD v4.1: 4 of 1,613,914 alleles (0.00025%); highest among the groups gnomAD compares: Non-Finnish European, 0.00034%; no homozygotes.

Submissions (3):

Labcorp Genetics (formerly Invitae), Labcorp
Classification: Uncertain significance for Dilated cardiomyopathy 1G; Autosomal recessive limb-girdle muscular dystrophy type 2J. Last evaluated: 2024-11-18. Review status: criteria provided, single submitter. Criteria: Invitae Variant Classification Sherloc (09022015). Collection method: clinical testing. Allele origin: germline.
Comment: This sequence change replaces serine, which is neutral and polar, with arginine, which is basic and polar, at codon 34932 of the TTN protein (p.Ser34932Arg). This variant is not present in population databases (gnomAD no frequency). This variant has not been reported in the literature in individuals affected with TTN-related conditions. ClinVar contains an entry for this variant (Variation ID: 203086). Experimental studies and prediction algorithms are not available or were not evaluated, and the functional significance of this variant is currently unknown. This variant is located in the M band of TTN (PMID: 25589632). Non-truncating variants in this region may be relevant for neuromuscular disorders, but have not been definitively shown to cause cardiomyopathy (PMID: 23975875). In summary, the available evidence is currently insufficient to determine the role of this variant in disease. Therefore, it has been classified as a Variant of Uncertain Significance.

Revvity Omics, Revvity
Classification: Uncertain significance. Last evaluated: 2022-03-08. Review status: criteria provided, single submitter. Criteria: ACMG Guidelines, 2015. Collection method: clinical testing. Allele origin: germline.

GeneDx
Classification: Likely benign. Last evaluated: 2018-06-09. Review status: criteria provided, single submitter. Criteria: GeneDx Variant Classification Process June 2021. Collection method: clinical testing. Allele origin: germline. Affected: yes.

Literature cited by the submitters: PubMed 25589632 (cited by Labcorp Genetics (formerly Invitae), Labcorp); PubMed 23975875 (cited by Labcorp Genetics (formerly Invitae), Labcorp).

NM_001267550.2(TTN):c.104796T>G (p.Ser34932Arg)

Genes: TTN-AS1 (TTN antisense RNA 1; plus strand), TTN (titin; minus strand). Cytogenetic location: 2q31.2.
Variant type: single nucleotide variant.
Coding change: c.104796T>G on transcript NM_001267550.2 (MANE Select); coding-DNA position 104796, T replaced by G.
Protein change: p.Ser34932Arg; replaces serine 34932 with arginine.
Molecular consequence: missense variant.
Genome position (GRCh38, 1-based): chr2:178,531,819, A>C on the plus strand (T>G on the coding strand, the complement: TTN is on the minus strand). VCF-style: chr2-178531819-A-C. GRCh37 (hg19) VCF-style: chr2-179396546-A-C.
Other names: p.S33291R:AGT>AGG; c.99873T>G, p.Ser33291Arg (NM_001256850.1); c.77601T>G, p.Ser25867Arg (NM_003319.4); c.97092T>G, p.Ser32364Arg (NM_133378.4); c.77976T>G, p.Ser25992Arg (NM_133432.3); c.78177T>G, p.Ser26059Arg (NM_133437.4); short protein forms S33291R, S34932R, S25867R, S26059R, S32364R, S25992R.
Identifiers: ClinVar variation 203086 (VCV000203086.13), dbSNP rs794729566, ClinGen allele CA311196.